The following is an entry in ClinVar:

ClinVar aggregate classification (germline): Likely pathogenic (1 of 4 stars; one submission).

Submission:

GeneDx
Classification: Likely pathogenic. Last evaluated: 2025-07-13. Review status: criteria provided, single submitter. Criteria: GeneDx Variant Classification Process June 2021. Collection method: clinical testing. Allele origin: germline. Affected: yes.
Comment: Frameshift variant predicted to result in protein truncation or nonsense mediated decay in a gene for which loss of function is a known mechanism of disease; Not observed at significant frequency in large population cohorts (gnomAD); Has not been previously published as pathogenic or benign to our knowledge

NM_000368.5(TSC1):c.2299_2305del (p.Gln767fs)

Gene: TSC1 (TSC complex subunit 1; minus strand). Cytogenetic location: 9q34.13.
Variant type: Deletion.
Coding change: c.2299_2305del on transcript NM_000368.5 (MANE Select); coding-DNA positions 2299 to 2305, 7 bases deleted (CAGCGTG; older notation c.2299_2305delCAGCGTG).
Protein change: p.Gln767fs; shifts the reading frame from glutamine 767.
Molecular consequence: frameshift variant. On other transcripts: non-coding transcript variant (5).
Genome position (GRCh38, 1-based): chr9:132,902,691-132,902,697, CACGCTG deleted on the plus strand (CAGCGTG on the coding strand, the reverse complement: TSC1 is on the minus strand); deleting any 7 consecutive bases within chr9:132,902,691-132,902,698 gives the same sequence; the c. name uses the placement nearest the transcript's 3' end. VCF-style (leftmost placement, unchanged base first): chr9-132902690-TCACGCTG-T. GRCh37 (hg19) VCF-style: chr9-135778077-TCACGCTG-T.
Other names: c.2298_2304delGCAGCGT, p.Gln767Thrfs (NM_000368.4); c.2296_2302del, p.Gln766fs (NM_001162426.2, NM_001406597.1, NM_001406598.1 and 4 more transcripts); c.2146_2152del, p.Gln716fs (NM_001162427.2, NM_001406610.1); c.1936_1942del, p.Gln646fs (NM_001362177.2, NM_001406614.1, NM_001406615.1 and 5 more transcripts); c.2299_2305del, p.Gln767fs (NM_001406592.1, NM_001406593.1, NM_001406594.1 and 5 more transcripts); c.2284_2290del, p.Gln762fs (NM_001406601.1, NM_001406602.1); c.2281_2287del, p.Gln761fs (NM_001406603.1, NM_001406604.1); c.2143_2149del, p.Gln715fs (NM_001406611.1, NM_001406612.1, NM_001406613.1); and 4 more; short protein forms Q416fs, Q449fs, Q450fs, Q645fs, Q646fs, Q715fs, Q716fs, Q761fs.
Identifiers: ClinVar variation 4686216 (VCV004686216.1).
Genomic context (GRCh38, chr9:132,902,690, plus strand): 5'-AATTCCTCTCGGTCATGCTGCAGCTGTCTGATCTGGCTGTGGAGCTTGGTTACCATAGTG[TCACGCTG>T]CTCCTGGAGCTGATTGTATCTAGCTTGTTCTTTCTGCAGACTAACCTTCCACATCTGGAT-3'